The following is an entry in ClinVar:

ClinVar aggregate classification (germline): Conflicting classifications of pathogenicity. Review status: criteria provided, conflicting classifications (1 of 4 stars). 5 submissions from 5 submitters: Uncertain significance (1); Likely benign (3). 1 of the submissions does not count toward it. Last evaluated 2025-11-17.

Conditions:
CEACAM16-related disorder. Also called: CEACAM16-related condition.
Autosomal dominant nonsyndromic hearing loss 4B. Identifiers: Orphanet 90635, MedGen C3281297, MONDO:0013823, OMIM 614614.

Allele frequency attached by ClinVar (database versions not stated): gnomAD 0.00005 and 0.00017; TOPMed 0.00007; gnomAD exomes 0.00018; ExAC 0.00058; 1000 Genomes Project 30x 0.00125; 1000 Genomes Project 0.00140.

Submissions (5):

Labcorp Genetics (formerly Invitae), Labcorp
Classification: Likely benign. Last evaluated: 2025-11-17. Review status: criteria provided, single submitter. Criteria: Invitae Variant Classification Sherloc (09022015). Collection method: clinical testing. Allele origin: germline.

GeneDx
Classification: Likely benign. Last evaluated: 2020-03-31. Review status: criteria provided, single submitter. Criteria: GeneDx Variant Classification Process June 2021. Collection method: clinical testing. Allele origin: germline. Affected: yes.

ARUP Laboratories, Molecular Genetics and Genomics, ARUP Laboratories
Classification: Uncertain significance for Autosomal dominant nonsyndromic hearing loss 4B. Last evaluated: 2019-04-18. Review status: criteria provided, single submitter. Criteria: ARUP Molecular Germline Variant Investigation Process. Collection method: clinical testing. Allele origin: germline.
Comment: The p.His189Tyr variant (rs370890913) has not been reported in the medical literature, is not listed in gene-specific variant databases, nor has it been previously identified in our laboratory. It is listed in the Exome Aggregation Consortium (ExAC) browser with an allele frequency in East Asian populations of 0.52% (identified in 5 out of 964 chromosomes) and the 1000 Genomes browser with an overall population frequency of greater than 1% in Bengali and Chinese populations. The histidine at codon 189 is moderately conserved considering 19 species (Alamut software v2.7.1), and computational analyses suggest this variant does not have a significant effect on CEACAM16 protein structure/function (SIFT: tolerated, PolyPhen2: benign, and Mutation Taster: polymorphism). However, the c.565C>T variant is also predicted to create a strong cryptic splice donor site within the coding region of exon 4 (Alamut software v2.7.1), although the exact impact of this variant on CEACAM16 mRNA processing cannot be precisely determined. Thus, based on the available information, the clinical significance of the c.565C>T; p.His189Tyr variant cannot be determined with certainty.

Laboratory for Molecular Medicine, Mass General Brigham Personalized Medicine
Classification: Likely benign. Last evaluated: 2018-09-06. Review status: criteria provided, single submitter. Criteria: LMM Criteria. Collection method: clinical testing. Allele origin: germline. Observed: 1 variant allele.
Comment: The p.His189Tyr variant in CEACAM16 is classified as likely benign because it ha s been identified in 0.09% (11/12816) of East Asian chromosomes by the Genome Ag gregation Database (gnomAD). Computational pre diction tools and conservation analysis suggest that the p.His189Tyr variant may not impact the protein. ACMG/AMP Criteria applied: BS1, BP4.

PreventionGenetics, part of Exact Sciences
Classification: Uncertain significance for CEACAM16-related condition. Last evaluated: 2024-09-23. Review status: no assertion criteria provided. Collection method: clinical testing. Allele origin: germline. Not counted in ClinVar's aggregate classification.
Comment: The CEACAM16 c.565C>T variant is predicted to result in the amino acid substitution p.His189Tyr. To our knowledge, this variant has not been reported in the literature. This variant is reported in 0.082% of alleles in individuals of East Asian descent in gnomAD. Although we suspect that this variant may be benign, at this time, the clinical significance of this variant is uncertain due to the absence of conclusive functional and genetic evidence.

NM_001039213.4(CEACAM16):c.565C>T (p.His189Tyr)

Genes: CEACAM16 (CEA cell adhesion molecule 16, tectorial membrane component; plus strand), CEACAM16-AS1 (CEACAM16, CEACAM19 and PVR antisense RNA 1; minus strand). Cytogenetic location: 19q13.32.
Variant type: single nucleotide variant.
Coding change: c.565C>T on transcript NM_001039213.4 (MANE Select); coding-DNA position 565, C replaced by T.
Protein change: p.His189Tyr; replaces histidine 189 with tyrosine.
Molecular consequence: missense variant.
Genome position (GRCh38, 1-based): chr19:44,704,200, C>T. VCF-style: chr19-44704200-C-T. GRCh37 (hg19) VCF-style: chr19-45207470-C-T.
Other names: short protein forms H189Y.
Identifiers: ClinVar variation 667086 (VCV000667086.19), dbSNP rs370890913, ClinGen allele CA9503096.
Genomic context (GRCh38, chr19:44,704,200, plus strand): 5'-GGGGCCCTGCCCGTCGCTCTCCGCCTGGGCCTGTCCCCTGACGGCCGGGTGCTGGCCAGG[C>T]ATGGCATCCGCCGGGAGGAGGCCGGCGCCTATCAGTGTGAGGTGTGGAACCCGGTCAGTG-3'
Protein context (NP_001034302.2, residues 179-199): LSPDGRVLAR[His189Tyr]GIRREEAGAY